The following is an entry in ClinVar:

ClinVar aggregate classification (germline): Conflicting classifications of pathogenicity. Review status: criteria provided, conflicting classifications (1 of 4 stars). 3 submissions from 3 submitters: Uncertain significance (1); Likely benign (2). Last evaluated 2026-03-19.

Conditions:
Usher syndrome type 2C. Also called: USHER SYNDROME, TYPE IIC; Usher syndrome, type 2B. Identifiers: Orphanet 231178, Orphanet 886, MedGen C2931213, MONDO:0011558, OMIM 605472.
ADGRV1-related disorder. Also called: ADGRV1-related disorders; ADGRV1-related condition.

Allele frequency attached by ClinVar (database versions not stated): gnomAD 0.00001; gnomAD exomes 0.00001; TOPMed 0.00001; ExAC 0.00002.
gnomAD v4.1: 13 of 1,613,536 alleles (0.00081%); highest among the groups gnomAD compares: East Asian, 0.0045%; no homozygotes.

Submissions (3):

PreventionGenetics, part of Exact Sciences
Classification: Likely benign for ADGRV1-related condition. Last evaluated: 2026-03-19. Review status: criteria provided, single submitter. Criteria: ACMG Guidelines, 2015. Collection method: clinical testing. Allele origin: germline.
Comment: This variant is classified as likely benign based on ACMG/AMP sequence variant interpretation guidelines (Richards et al. 2015 PMID: 25741868, with internal and published modifications).

Labcorp Genetics (formerly Invitae), Labcorp
Classification: Likely benign. Last evaluated: 2025-02-04. Review status: criteria provided, single submitter. Criteria: Invitae Variant Classification Sherloc (09022015). Collection method: clinical testing. Allele origin: germline.

Illumina Laboratory Services, Illumina
Classification: Uncertain significance for Usher syndrome type 2C. Last evaluated: 2018-01-12. Review status: criteria provided, single submitter. Criteria: ICSL Variant Classification Criteria 13 December 2019. Collection method: clinical testing. Allele origin: germline.

NM_032119.4(ADGRV1):c.7866C>T (p.Val2622=)

Gene: ADGRV1 (adhesion G protein-coupled receptor V1; plus strand). Cytogenetic location: 5q14.3.
Variant type: single nucleotide variant.
Coding change: c.7866C>T on transcript NM_032119.4 (MANE Select); coding-DNA position 7866, C replaced by T.
Protein change: p.Val2622=; no amino-acid change (valine 2622 retained).
Molecular consequence: synonymous variant. On other transcripts: non-coding transcript variant (1).
Genome position (GRCh38, 1-based): chr5:90,694,622, C>T. VCF-style: chr5-90694622-C-T. GRCh37 (hg19) VCF-style: chr5-89990439-C-T.
Identifiers: ClinVar variation 907337 (VCV000907337.13), dbSNP rs756284324, ClinGen allele CA3340104.